The following is an entry in ClinVar:

NM_016013.4(NDUFAF1):c.628C>G (p.Leu210Val)

Gene: NDUFAF1 (NADH:ubiquinone oxidoreductase complex assembly factor 1; minus strand). Cytogenetic location: 15q15.1.
Variant type: single nucleotide variant.
Coding change: c.628C>G on transcript NM_016013.4 (MANE Select); coding-DNA position 628, C replaced by G.
Protein change: p.Leu210Val; replaces leucine 210 with valine.
Molecular consequence: missense variant. On other transcripts: non-coding transcript variant (1).
Genome position (GRCh38, 1-based): chr15:41,394,990, G>C on the plus strand (C>G on the coding strand, the complement: NDUFAF1 is on the minus strand). VCF-style: chr15-41394990-G-C. GRCh37 (hg19) VCF-style: chr15-41687188-G-C.
Other names: short protein forms L210V.
Identifiers: ClinVar variation 1984244 (VCV001984244.4), dbSNP rs2050365365, ClinGen allele CA391809627.

ClinVar aggregate classification (germline): Uncertain significance (1 of 4 stars; one submission).

Submission:

Labcorp Genetics (formerly Invitae), Labcorp
Classification: Uncertain significance. Last evaluated: 2025-10-01. Review status: criteria provided, single submitter. Criteria: Invitae Variant Classification Sherloc (09022015). Collection method: clinical testing. Allele origin: germline.
Comment: This sequence change replaces leucine, which is neutral and non-polar, with valine, which is neutral and non-polar, at codon 210 of the NDUFAF1 protein (p.Leu210Val). This variant is not present in population databases (gnomAD no frequency). This variant has not been reported in the literature in individuals affected with NDUFAF1-related conditions. ClinVar contains an entry for this variant (Variation ID: 1984244). Invitae Evidence Modeling of protein sequence and biophysical properties (such as structural, functional, and spatial information, amino acid conservation, physicochemical variation, residue mobility, and thermodynamic stability) indicates that this missense variant is not expected to disrupt NDUFAF1 protein function with a negative predictive value of 80%. In summary, the available evidence is currently insufficient to determine the role of this variant in disease. Therefore, it has been classified as a Variant of Uncertain Significance.